The following is an entry in ClinVar:

NM_001330078.2(NRXN1):c.781A>G (p.Asn261Asp)

Gene: NRXN1 (neurexin 1; minus strand). Cytogenetic location: 2p16.3.
Variant type: single nucleotide variant.
Coding change: c.781A>G on transcript NM_001330078.2 (MANE Select); coding-DNA position 781, A replaced by G.
Protein change: p.Asn261Asp; replaces asparagine 261 with aspartic acid.
Molecular consequence: missense variant. On other transcripts: intron variant (6).
Genome position (GRCh38, 1-based): chr2:50,925,947, T>C on the plus strand (A>G on the coding strand, the complement: NRXN1 is on the minus strand). VCF-style: chr2-50925947-T-C. GRCh37 (hg19) VCF-style: chr2-51153085-T-C.
Other names: p.N294D:AAT>GAT; c.880A>G, p.Asn294Asp (NM_001135659.3); c.781A>G, p.Asn261Asp (NM_001330077.2, NM_001330081.2, NM_001330082.2 and 6 more transcripts); c.778A>G, p.Asn260Asp (NM_001330079.2, NM_001330093.2); c.772+101555A>G (NM_001330096.2, NM_001330087.2, NM_001330083.2 and 1 more transcripts); c.773-3260A>G (NM_001330088.2, NM_001330089.2); short protein forms N294D, N260D, N261D.
Identifiers: ClinVar variation 206211 (VCV000206211.17), dbSNP rs781179797, ClinGen allele CA316071.

ClinVar aggregate classification (germline): Uncertain significance. Review status: criteria provided, multiple submitters, no conflicts (2 of 4 stars). 4 submissions from 4 submitters: Uncertain significance (4). Last evaluated 2024-10-30.

Conditions:
Inborn genetic diseases. Identifiers: MedGen C0950123, MeSH D030342.
Pitt-Hopkins-like syndrome 2 (PTHSL2). Identifiers: Orphanet 221150, Orphanet 600663, MedGen C3280479, MONDO:0013690, OMIM 614325.

Allele frequency attached by ClinVar (database versions not stated): gnomAD 0.00001; TOPMed 0.00002; ExAC 0.00003; gnomAD exomes 0.00003.
gnomAD v4.1: 160 of 1,574,272 alleles (0.01%); highest among the groups gnomAD compares: Non-Finnish European, 0.014%; no homozygotes.

Submissions (4):

Labcorp Genetics (formerly Invitae), Labcorp
Classification: Uncertain significance for Pitt-Hopkins-like syndrome 2. Last evaluated: 2024-10-30. Review status: criteria provided, single submitter. Criteria: Invitae Variant Classification Sherloc (09022015). Collection method: clinical testing. Allele origin: germline.
Comment: This sequence change replaces asparagine, which is neutral and polar, with aspartic acid, which is acidic and polar, at codon 294 of the NRXN1 protein (p.Asn294Asp). This variant is present in population databases (rs781179797, gnomAD 0.006%). This variant has not been reported in the literature in individuals affected with NRXN1-related conditions. ClinVar contains an entry for this variant (Variation ID: 206211). An algorithm developed to predict the effect of missense changes on protein structure and function (PolyPhen-2) suggests that this variant is likely to be tolerated. In summary, the available evidence is currently insufficient to determine the role of this variant in disease. Therefore, it has been classified as a Variant of Uncertain Significance.

Ambry Genetics
Classification: Uncertain significance for Inborn genetic diseases. Last evaluated: 2023-03-13. Review status: criteria provided, single submitter. Criteria: Ambry Variant Classification Scheme 2023. Collection method: clinical testing. Allele origin: germline.

Eurofins Ntd Llc (ga)
Classification: Uncertain significance. Last evaluated: 2016-02-15. Review status: criteria provided, single submitter. Criteria: EGL Classification Definitions 2015. Collection method: clinical testing. Allele origin: germline. Observed: 1 variant allele, 1 heterozygote.

GeneDx
Classification: Uncertain significance. Last evaluated: 2015-03-19. Review status: criteria provided, single submitter. Criteria: GeneDx Variant Classification (06012015). Collection method: clinical testing. Allele origin: germline. Affected: yes.
Comment: The N294D variant has not been published as a mutation, nor has it been reported as a benign polymorphism to our knowledge. It was not observed in approximately 6,500 individuals of European and African American ancestry in the NHLBI Exome Sequencing Project, indicating it is not a common benign variant in these populations. The N294D variant is a semi-conservative amino acid substitution, which may impact secondary protein structure as these residues differ in some properties. However, this substitution occurs at a position that is not conserved across species, and in silico analysis predicts this variant likely does not alter the protein structure/function. Therefore, based on the currently available information, it is unclear whether this variant is a pathogenic mutation or a rare benign variant. The variant is found in EPILEPSY panel(s).